The following is an entry in ClinVar:

NM_000465.4(BARD1):c.1528G>C (p.Val510Leu)

Gene: BARD1 (BRCA1 associated RING domain 1; minus strand). Cytogenetic location: 2q35.
Variant type: single nucleotide variant.
Coding change: c.1528G>C on transcript NM_000465.4 (MANE Select); coding-DNA position 1528, G replaced by C.
Protein change: p.Val510Leu; replaces valine 510 with leucine.
Molecular consequence: missense variant. On other transcripts: non-coding transcript variant (3), intron variant (3).
Genome position (GRCh38, 1-based): chr2:214,767,522, C>G on the plus strand (G>C on the coding strand, the complement: BARD1 is on the minus strand). VCF-style: chr2-214767522-C-G. GRCh37 (hg19) VCF-style: chr2-215632246-C-G.
Other names: c.1471G>C, p.Val491Leu (NM_001282543.2); c.159-14967G>C (NM_001282548.2); c.216-14967G>C (NM_001282545.2); c.364+24775G>C (NM_001282549.2); short protein forms V491L, V510L.
Identifiers: ClinVar variation 1774561 (VCV001774561.5), dbSNP rs2106076401, ClinGen allele CA350448230.
Genomic context (GRCh38, chr2:214,767,522, plus strand): 5'-TTTTACGTTGAACTACTTACACAGCATTTCTGGAGGCTCCATAGGAAAGTAACAGCTTGA[C>G]TATATCCACATGCCCATTCTTGGCTGCATCGTGAAGTGGTGAGTCATTTTGATACCCGGT-3'
Protein context (NP_000456.2, residues 500-520): DAAKNGHVDI[Val510Leu]KLLLSYGASR

ClinVar aggregate classification (germline): Uncertain significance. Review status: criteria provided, multiple submitters, no conflicts (2 of 4 stars). 2 submissions from 2 submitters: Uncertain significance (2). Last evaluated 2023-12-27.

Conditions:
Hereditary cancer-predisposing syndrome. Also called: Hereditary Cancer Syndrome; Hereditary neoplastic syndrome; Neoplastic Syndromes, Hereditary; Tumor predisposition. Identifiers: Orphanet 140162, MedGen C0027672, MeSH D009386, MONDO:0015356.
Familial cancer of breast. Also called: BREAST CANCER, FAMILIAL; Hereditary breast cancer; hereditary breast carcinoma. Identifiers: Orphanet 227535, MedGen C0346153, MONDO:0016419, OMIM 114480. Disease mechanism: loss of function.

Allele frequency attached by ClinVar (database versions not stated): gnomAD exomes below 0.00001.
gnomAD v4.1: 1 of 1,614,020 alleles (0.000062%); highest among the groups gnomAD compares: Non-Finnish European, 0.000085%; no homozygotes.

Submissions (2):

Labcorp Genetics (formerly Invitae), Labcorp
Classification: Uncertain significance for Familial cancer of breast. Last evaluated: 2023-12-27. Review status: criteria provided, single submitter. Criteria: Invitae Variant Classification Sherloc (09022015). Collection method: clinical testing. Allele origin: germline.
Comment: This sequence change replaces valine, which is neutral and non-polar, with leucine, which is neutral and non-polar, at codon 510 of the BARD1 protein (p.Val510Leu). This variant is not present in population databases (gnomAD no frequency). This variant has not been reported in the literature in individuals affected with BARD1-related conditions. ClinVar contains an entry for this variant (Variation ID: 1774561). An algorithm developed to predict the effect of missense changes on protein structure and function (PolyPhen-2) suggests that this variant is likely to be disruptive. In summary, the available evidence is currently insufficient to determine the role of this variant in disease. Therefore, it has been classified as a Variant of Uncertain Significance.

Ambry Genetics
Classification: Uncertain significance for Hereditary cancer-predisposing syndrome. Last evaluated: 2019-10-17. Review status: criteria provided, single submitter. Criteria: Ambry Variant Classification Scheme 2023. Collection method: clinical testing. Allele origin: germline.
Comment: The p.V510L variant (also known as c.1528G>C), located in coding exon 6 of the BARD1 gene, results from a G to C substitution at nucleotide position 1528. The valine at codon 510 is replaced by leucine, an amino acid with highly similar properties. This amino acid position is well conserved in available vertebrate species. In addition, the in silico prediction for this alteration is inconclusive. Since supporting evidence is limited at this time, the clinical significance of this alteration remains unclear.